The following is an entry in ClinVar:

ClinVar aggregate classification (germline): Uncertain significance (1 of 4 stars; one submission).

Conditions:
Epileptic encephalopathy. Identifiers: MedGen C0543888, HP:0200134.

gnomAD v4.1: 10 of 1,613,444 alleles (0.00062%); highest among the groups gnomAD compares: Admixed American, 0.0033%; no homozygotes.

Submission:

Labcorp Genetics (formerly Invitae), Labcorp
Classification: Uncertain significance for Epileptic encephalopathy. Last evaluated: 2023-08-28. Review status: criteria provided, single submitter. Criteria: Invitae Variant Classification Sherloc (09022015). Collection method: clinical testing. Allele origin: germline.
Comment: In summary, the available evidence is currently insufficient to determine the role of this variant in disease. Therefore, it has been classified as a Variant of Uncertain Significance. Advanced modeling of protein sequence and biophysical properties (such as structural, functional, and spatial information, amino acid conservation, physicochemical variation, residue mobility, and thermodynamic stability) performed at Invitae indicates that this missense variant is not expected to disrupt GABBR2 protein function. ClinVar contains an entry for this variant (Variation ID: 657651). This variant has not been reported in the literature in individuals affected with GABBR2-related conditions. This variant is present in population databases (rs781275870, gnomAD 0.009%). This sequence change replaces arginine, which is basic and polar, with histidine, which is basic and polar, at codon 642 of the GABBR2 protein (p.Arg642His).

NM_005458.8(GABBR2):c.1925G>A (p.Arg642His)

Gene: GABBR2 (gamma-aminobutyric acid type B receptor subunit 2; minus strand). Cytogenetic location: 9q22.33.
Variant type: single nucleotide variant.
Coding change: c.1925G>A on transcript NM_005458.8 (MANE Select); coding-DNA position 1925, G replaced by A.
Protein change: p.Arg642His; replaces arginine 642 with histidine.
Molecular consequence: missense variant.
Genome position (GRCh38, 1-based): chr9:98,311,174, C>T on the plus strand (G>A on the coding strand, the complement: GABBR2 is on the minus strand). VCF-style: chr9-98311174-C-T. GRCh37 (hg19) VCF-style: chr9-101073456-C-T.
Other names: short protein forms R642H.
Identifiers: ClinVar variation 657651 (VCV000657651.8), dbSNP rs781275870, ClinGen allele CA5152566.